The following is an entry in ClinVar:

ClinVar aggregate classification (germline): Uncertain significance (1 of 4 stars; one submission).

Conditions:
Hereditary cancer-predisposing syndrome. Also called: Hereditary Cancer Syndrome; Tumor predisposition; Hereditary neoplastic syndrome; Neoplastic Syndromes, Hereditary. Identifiers: Orphanet 140162, MedGen C0027672, MeSH D009386, MONDO:0015356.

Submission:

Ambry Genetics
Classification: Uncertain significance for Hereditary cancer-predisposing syndrome. Last evaluated: 2024-06-18. Review status: criteria provided, single submitter. Criteria: Ambry Variant Classification Scheme 2023. Collection method: clinical testing. Allele origin: germline.
Comment: The p.L1128V variant (also known as c.3382C>G), located in coding exon 9 of the BRCA1 gene, results from a C to G substitution at nucleotide position 3382. The leucine at codon 1128 is replaced by valine, an amino acid with highly similar properties. This amino acid position is not well conserved in available vertebrate species. In addition, the in silico prediction for this alteration is inconclusive. Based on the available evidence, the clinical significance of this variant remains unclear.

NM_007294.4(BRCA1):c.3382C>G (p.Leu1128Val)

Genes: BRCA1 (BRCA1 DNA repair associated; minus strand), LOC126862571 (BRD4-independent group 4 enhancer GRCh37_chr17:41243136-41244335; plus strand). Cytogenetic location: 17q21.31.
Variant type: single nucleotide variant.
Coding change: c.3382C>G on transcript NM_007294.4 (MANE Select); coding-DNA position 3382, C replaced by G.
Protein change: p.Leu1128Val; replaces leucine 1128 with valine.
Molecular consequence: missense variant. On other transcripts: intron variant (137).
Genome position (GRCh38, 1-based): chr17:43,092,149, G>C on the plus strand (C>G on the coding strand, the complement: BRCA1 is on the minus strand). VCF-style: chr17-43092149-G-C. GRCh37 (hg19) VCF-style: chr17-41244166-G-C.
Other names: c.3172C>G, p.Leu1058Val (NM_001407882.1, NM_001407884.1, NM_001407885.1 and 13 more transcripts); c.3169C>G, p.Leu1057Val (NM_001407895.1, NM_001407898.1, NM_001407894.1 and 9 more transcripts); c.3382C>G, p.Leu1128Val (NM_001407581.1, NM_001407582.1, NM_001407583.1 and 30 more transcripts); c.3379C>G, p.Leu1127Val (NM_001407587.1, NM_001407590.1, NM_001407591.1 and 22 more transcripts); c.3373C>G, p.Leu1125Val (NM_001407646.1, NM_001407647.1); c.3259C>G, p.Leu1087Val (NM_001407648.1, NM_001407664.1, NM_001407665.1 and 19 more transcripts); c.3256C>G, p.Leu1086Val (NM_001407649.1, NM_001407670.1, NM_001407671.1 and 11 more transcripts); c.3304C>G, p.Leu1102Val (NM_001407653.1, NM_001407654.1, NM_001407655.1 and 4 more transcripts); and 41 more; short protein forms L1000V, L1080V, L1081V, L1086V, L1102V, L832V, L1001V, L1016V.
Identifiers: ClinVar variation 3261497 (VCV003261497.1).
Genomic context (GRCh38, chr17:43,092,149, plus strand): 5'-CAGAACAAACCTGAGATGCATGACTACTTCCCATAGGCTGTTCTAAGTTATCTGAAATCA[G>C]ATATGGAGAGAAATCTGTATTAACAGTCTGAACTACTTCTTCATATTCTTGCTTTTTTAT-3'
Protein context (NP_009225.1, residues 1118-1138): QTVNTDFSPY[Leu1128Val]ISDNLEQPMG